The following is an entry in ClinVar:

NM_005033.3(EXOSC9):c.1034del (p.Asn345fs)

Gene: EXOSC9 (exosome component 9; plus strand). Cytogenetic location: 4q27.
Variant type: Deletion.
Coding change: c.1034del on transcript NM_005033.3 (MANE Select); coding-DNA position 1034, one base deleted (A; older notation c.1034delA).
Protein change: p.Asn345fs; shifts the reading frame from asparagine 345.
Molecular consequence: frameshift variant.
Genome position (GRCh38, 1-based): chr4:121,813,925, A deleted; the last of 4 consecutive A bases (chr4:121,813,922-121,813,925); deleting any one gives the same sequence. VCF-style (leftmost placement, unchanged base first): chr4-121813921-GA-G. GRCh37 (hg19) VCF-style: chr4-122735076-GA-G.
Other names: c.1034del, p.Asn345fs (NM_001034194.2); short protein forms N345fs.
Identifiers: ClinVar variation 1899880 (VCV001899880.5), dbSNP rs1310351331, ClinGen allele CA554524164.

ClinVar aggregate classification (germline): Pathogenic (1 of 4 stars; one submission).

Submission:

Labcorp Genetics (formerly Invitae), Labcorp
Classification: Pathogenic. Last evaluated: 2025-10-19. Review status: criteria provided, single submitter. Criteria: Invitae Variant Classification Sherloc (09022015). Collection method: clinical testing. Allele origin: germline.
Comment: This sequence change creates a premature translational stop signal (p.Asn345Thrfs*27) in the EXOSC9 gene. It is expected to result in an absent or disrupted protein product. Loss-of-function variants in EXOSC9 are known to be pathogenic (PMID: 29727687, 33040083). This variant is present in population databases (no rsID available, gnomAD 0.0009%). This variant has not been reported in the literature in individuals affected with EXOSC9-related conditions. ClinVar contains an entry for this variant (Variation ID: 1899880). For these reasons, this variant has been classified as Pathogenic.

Literature cited by the submitters: PubMed 29727687; PubMed 33040083.